The following is an entry in ClinVar:

NM_000135.4(FANCA):c.1312G>A (p.Ala438Thr)

Gene: FANCA (FA complementation group A; minus strand). Cytogenetic location: 16q24.3.
Variant type: single nucleotide variant.
Coding change: c.1312G>A on transcript NM_000135.4 (MANE Select); coding-DNA position 1312, G replaced by A.
Protein change: p.Ala438Thr; replaces alanine 438 with threonine.
Molecular consequence: missense variant.
Genome position (GRCh38, 1-based): chr16:89,791,450, C>T on the plus strand (G>A on the coding strand, the complement: FANCA is on the minus strand). VCF-style: chr16-89791450-C-T. GRCh37 (hg19) VCF-style: chr16-89857858-C-T.
Other names: c.1312G>A (NM_000135.2); c.1312G>A, p.Ala438Thr (NM_001286167.3); short protein forms A438T.
Identifiers: ClinVar variation 1330105 (VCV001330105.9), dbSNP rs752587443, ClinGen allele CA8252406.

ClinVar aggregate classification (germline): Conflicting classifications of pathogenicity. Review status: criteria provided, conflicting classifications (1 of 4 stars). 4 submissions from 4 submitters: Uncertain significance (3); Likely benign (1). Last evaluated 2025-10-18.

Conditions:
Inborn genetic diseases. Identifiers: MedGen C0950123, MeSH D030342.
Fanconi anemia (FA). Also called: Fanconi's anemia. Identifiers: Orphanet 84, MedGen C0015625, MeSH D005199, MONDO:0019391.
Fanconi anemia complementation group A (FANCA). Also called: FANCA-Related Fanconi Anemia; Fanconi anemia, group A. Identifiers: Orphanet 84, MedGen C3469521, MONDO:0009215, OMIM 227650.

Allele frequency attached by ClinVar (database versions not stated): ExAC 0.00002; gnomAD exomes 0.00002 and 0.00005; TOPMed 0.00005; gnomAD 0.00006 and 0.00007.
gnomAD v4.1: 46 of 1,614,032 alleles (0.0029%); highest among the groups gnomAD compares: Admixed American, 0.022%; 1 homozygote.

Submissions (4):

Quest Diagnostics Nichols Institute San Juan Capistrano
Classification: Uncertain significance. Last evaluated: 2025-10-18. Review status: criteria provided, single submitter. Criteria: Quest Diagnostics criteria. Collection method: clinical testing. Allele origin: unknown.
Comment: The FANCA c.1312G>A (p.Ala438Thr) variant has not been reported in individuals with FANCA-related conditions in the published literature. The frequency of this variant in the general population (Genome Aggregation Database) is uninformative in the assessment of its pathogenicity. Analysis of this variant using bioinformatics tools for the prediction of the effect of amino acid changes on protein structure and function yielded predictions that this variant is benign. Based on the available information, we are unable to determine the clinical significance of this variant.

Labcorp Genetics (formerly Invitae), Labcorp
Classification: Likely benign for Fanconi anemia. Last evaluated: 2025-03-31. Review status: criteria provided, single submitter. Criteria: Invitae Variant Classification Sherloc (09022015). Collection method: clinical testing. Allele origin: germline.

Ambry Genetics
Classification: Uncertain significance for Inborn genetic diseases. Last evaluated: 2024-12-19. Review status: criteria provided, single submitter. Criteria: Ambry Variant Classification Scheme 2023. Collection method: clinical testing. Allele origin: germline.
Comment: The p.A438T variant (also known as c.1312G>A), located in coding exon 14 of the FANCA gene, results from a G to A substitution at nucleotide position 1312. The alanine at codon 438 is replaced by threonine, an amino acid with similar properties. This amino acid position is conserved. In addition, the in silico prediction for this alteration is inconclusive. Based on the available evidence, the clinical significance of this variant remains unclear.

Fulgent Genetics
Classification: Uncertain significance for Fanconi anemia complementation group A. Last evaluated: 2024-06-06. Review status: criteria provided, single submitter. Criteria: ACMG Guidelines, 2015. Collection method: clinical testing. Allele origin: germline.